The following is an entry in ClinVar:

NM_001330700.2(TOP2B):c.4285A>G (p.Lys1429Glu)

Gene: TOP2B (DNA topoisomerase II beta; minus strand). Cytogenetic location: 3p24.2.
Variant type: single nucleotide variant.
Coding change: c.4285A>G on transcript NM_001330700.2 (MANE Select); coding-DNA position 4285, A replaced by G.
Protein change: p.Lys1429Glu; replaces lysine 1429 with glutamic acid.
Molecular consequence: missense variant.
Genome position (GRCh38, 1-based): chr3:25,607,184, T>C on the plus strand (A>G on the coding strand, the complement: TOP2B is on the minus strand). VCF-style: chr3-25607184-T-C. GRCh37 (hg19) VCF-style: chr3-25648675-T-C.
Other names: c.4270A>G, p.Lys1424Glu (NM_001068.3); short protein forms K1424E, K1429E.
Identifiers: ClinVar variation 2956263 (VCV002956263.3), dbSNP rs1397024084, ClinGen allele CA351892272.

ClinVar aggregate classification (germline): Uncertain significance (1 of 4 stars; one submission).

Allele frequency attached by ClinVar (database versions not stated): gnomAD exomes 0.00002.
gnomAD v4.1: 27 of 1,613,164 alleles (0.0017%); highest among the groups gnomAD compares: Non-Finnish European, 0.002%; no homozygotes.

Submission:

Labcorp Genetics (formerly Invitae), Labcorp
Classification: Uncertain significance. Last evaluated: 2025-02-10. Review status: criteria provided, single submitter. Criteria: Invitae Variant Classification Sherloc (09022015). Collection method: clinical testing. Allele origin: germline.
Comment: This sequence change replaces lysine, which is basic and polar, with glutamic acid, which is acidic and polar, at codon 1424 of the TOP2B protein (p.Lys1424Glu). This variant is present in population databases (no rsID available, gnomAD 0.002%). This variant has not been reported in the literature in individuals affected with TOP2B-related conditions. ClinVar contains an entry for this variant (Variation ID: 2956263). An algorithm developed to predict the effect of missense changes on protein structure and function (PolyPhen-2) suggests that this variant is likely to be tolerated. In summary, the available evidence is currently insufficient to determine the role of this variant in disease. Therefore, it has been classified as a Variant of Uncertain Significance.